The following is an entry in ClinVar:

ClinVar aggregate classification (germline): Pathogenic (1 of 4 stars; one submission).

Submission:

Labcorp Genetics (formerly Invitae), Labcorp
Classification: Pathogenic. Last evaluated: 2023-05-30. Review status: criteria provided, single submitter. Criteria: Invitae Variant Classification Sherloc (09022015). Collection method: clinical testing. Allele origin: germline.
Comment: For these reasons, this variant has been classified as Pathogenic. This variant has not been reported in the literature in individuals affected with USH2A-related conditions. This variant is not present in population databases (gnomAD no frequency). This sequence change creates a premature translational stop signal (p.Leu4966*) in the USH2A gene. It is expected to result in an absent or disrupted protein product. Loss-of-function variants in USH2A are known to be pathogenic (PMID: 10729113, 10909849, 20507924, 25649381).

Literature cited by the submitters: PubMed 10729113; PubMed 10909849; PubMed 20507924; PubMed 25649381.

NM_206933.4(USH2A):c.14897del (p.Val4965_Leu4966insTer)

Gene: USH2A (usherin; minus strand). Cytogenetic location: 1q41.
Variant type: Deletion.
Coding change: c.14897del on transcript NM_206933.4 (MANE Select); coding-DNA position 14897, one base deleted (T; older notation c.14897delT).
Protein change: p.Val4965_Leu4966insTer.
Molecular consequence: nonsense.
Genome position (GRCh38, 1-based): chr1:215,640,629, A deleted on the plus strand (T on the coding strand, the reverse complement: USH2A is on the minus strand); the first of 2 consecutive A bases (chr1:215,640,629-215,640,630); deleting either gives the same sequence. VCF-style (leftmost placement, unchanged base first): chr1-215640628-TA-T. GRCh37 (hg19) VCF-style: chr1-215813970-TA-T.
Identifiers: ClinVar variation 2750569 (VCV002750569.3), dbSNP rs2464789229, ClinGen allele CA2697554875.